The following is an entry in ClinVar:

NM_022455.5(NSD1):c.3457C>T (p.Gln1153Ter)

Gene: NSD1 (nuclear receptor binding SET domain protein 1; plus strand). Cytogenetic location: 5q35.3.
Variant type: single nucleotide variant.
Coding change: c.3457C>T on transcript NM_022455.5 (MANE Select); coding-DNA position 3457, C replaced by T.
Protein change: p.Gln1153Ter; replaces glutamine 1153 with a stop codon.
Molecular consequence: nonsense.
Genome position (GRCh38, 1-based): chr5:177,211,856, C>T. VCF-style: chr5-177211856-C-T. GRCh37 (hg19) VCF-style: chr5-176638857-C-T.
Other names: c.2584C>T, p.Gln862Ter (NM_001365684.2, NM_001409306.1, NM_001409307.1 and 3 more transcripts); c.3457C>T, p.Gln1153Ter (NM_001409301.1, NM_001409302.1, NM_001409303.1); c.3037C>T, p.Gln1013Ter (NM_001409304.1); c.2704C>T, p.Gln902Ter (NM_001409305.1); short protein forms Q1153*, Q884*, Q1013*, Q902*, Q862*.
Identifiers: ClinVar variation 488749 (VCV000488749.2), dbSNP rs1554190269, ClinGen allele CA362324761.

ClinVar aggregate classification (germline): Pathogenic (1 of 4 stars; one submission).

Submission:

GeneDx
Classification: Pathogenic. Last evaluated: 2017-12-13. Review status: criteria provided, single submitter. Criteria: GeneDx Variant Classification (06012015). Collection method: clinical testing. Allele origin: germline. Affected: yes.
Comment: The Q1153X nonsense variant in the NSD1 gene is predicted to cause loss of normal protein function either through protein truncation or nonsense-mediated mRNA decay. The Q1153X variant is not observed in large population cohorts (Lek et al., 2016).